The following is an entry in ClinVar:

ClinVar aggregate classification (germline): Uncertain significance (1 of 4 stars; one submission).

Submission:

Labcorp Genetics (formerly Invitae), Labcorp
Classification: Uncertain significance. Last evaluated: 2025-03-03. Review status: criteria provided, single submitter. Criteria: Invitae Variant Classification Sherloc (09022015). Collection method: clinical testing. Allele origin: germline.
Comment: This sequence change replaces glycine, which is neutral and non-polar, with arginine, which is basic and polar, at codon 478 of the PDZD7 protein (p.Gly478Arg). This variant is not present in population databases (gnomAD no frequency). This variant has not been reported in the literature in individuals affected with PDZD7-related conditions. ClinVar contains an entry for this variant (Variation ID: 857382). Invitae Evidence Modeling of protein sequence and biophysical properties (such as structural, functional, and spatial information, amino acid conservation, physicochemical variation, residue mobility, and thermodynamic stability) indicates that this missense variant is not expected to disrupt PDZD7 protein function with a negative predictive value of 80%. In summary, the available evidence is currently insufficient to determine the role of this variant in disease. Therefore, it has been classified as a Variant of Uncertain Significance.

NM_001195263.2(PDZD7):c.1432G>A (p.Gly478Arg)

Gene: PDZD7 (PDZ domain containing 7; minus strand). Cytogenetic location: 10q24.31.
Variant type: single nucleotide variant.
Coding change: c.1432G>A on transcript NM_001195263.2 (MANE Select); coding-DNA position 1432, G replaced by A.
Protein change: p.Gly478Arg; replaces glycine 478 with arginine.
Molecular consequence: missense variant.
Genome position (GRCh38, 1-based): chr10:101,018,189, C>T on the plus strand (G>A on the coding strand, the complement: PDZD7 is on the minus strand). VCF-style: chr10-101018189-C-T. GRCh37 (hg19) VCF-style: chr10-102777946-C-T.
Other names: c.1460G>A, p.Gly487Glu (NM_001351044.2); c.1432G>A, p.Gly478Arg (NM_024895.5); short protein forms G478R, G487E.
Identifiers: ClinVar variation 857382 (VCV000857382.9), dbSNP rs1852816140, ClinGen allele CA378228062.